The following is an entry in ClinVar:

ClinVar aggregate classification (germline): Uncertain significance (1 of 4 stars; one submission).

Conditions:
Inborn genetic diseases. Identifiers: MedGen C0950123, MeSH D030342.

Submission:

Ambry Genetics
Classification: Uncertain significance for Inborn genetic diseases. Last evaluated: 2024-12-17. Review status: criteria provided, single submitter. Criteria: Ambry Variant Classification Scheme 2023. Collection method: clinical testing. Allele origin: germline.
Comment: The c.34-4A>G intronic variant results from an A to G substitution 4 nucleotides upstream from coding exon 2 in the ETV6 gene. This nucleotide position is highly conserved in available vertebrate species. In silico splice site analysis predicts that this alteration will result in the creation or strengthening of a novel splice acceptor site. RNA studies have demonstrated that this alteration results in a splice defect; the clinical impact of this abnormal splicing is unknown at this time (Ambry internal data). Based on the available evidence, the clinical significance of this variant remains unclear.

NM_001987.5(ETV6):c.34-4A>G

Gene: ETV6 (ETS variant transcription factor 6; plus strand). Cytogenetic location: 12p13.2.
Variant type: single nucleotide variant.
Coding change: c.34-4A>G on transcript NM_001987.5 (MANE Select); 4 bases into the intron before coding-DNA position 34, A replaced by G.
Molecular consequence: intron variant.
Genome position (GRCh38, 1-based): chr12:11,752,446, A>G. VCF-style: chr12-11752446-A-G. GRCh37 (hg19) VCF-style: chr12-11905380-A-G.
Other names: c.7-4A>G (NM_001413914.1); c.34-4A>G (NM_001413917.1, NM_001413916.1, NM_001413918.1); c.34-7A>G (NM_001413913.1); c.-101-86694A>G (NM_001413915.1).
Identifiers: ClinVar variation 3846451 (VCV003846451.1).
Genomic context (GRCh38, chr12:11,752,446, plus strand): 5'-ACCTCCATTCCAAGCTTTCATTGTCTCTCTCCCCCTCCCCTCTTCCTGCCCTTATTTTTA[A>G]CAGCAGGAACGAATTTCATATACACCTCCAGAGAGCCCAGTGCCGAGTTACGCTTCCTCG-3'